The following is an entry in ClinVar:

ClinVar aggregate classification (germline): Likely benign. Review status: criteria provided, multiple submitters, no conflicts (2 of 4 stars). 2 submissions from 2 submitters: Likely benign (2). Last evaluated 2025-03-11.

Conditions:
Cardiovascular phenotype. Identifiers: MedGen CN230736.

gnomAD v4.1: 1 of 1,613,314 alleles (0.000062%); highest among the groups gnomAD compares: Non-Finnish European, 0.000085%; no homozygotes.

Submissions (2):

Mayo Clinic Laboratories, Mayo Clinic
Classification: Likely benign. Last evaluated: 2025-03-11. Review status: criteria provided, single submitter. Criteria: ACMG Guidelines, 2015. Collection method: clinical testing. Allele origin: germline. Observed: 1 variant allele.
Comment: BP4, BP7, PM2_supporting

Ambry Genetics
Classification: Likely benign for Cardiovascular phenotype. Last evaluated: 2024-10-28. Review status: criteria provided, single submitter. Criteria: Ambry Variant Classification Scheme 2023. Collection method: clinical testing. Allele origin: germline.

NM_002230.4(JUP):c.603A>G (p.Thr201=)

Gene: JUP (junction plakoglobin; minus strand). Cytogenetic location: 17q21.2.
Variant type: single nucleotide variant.
Coding change: c.603A>G on transcript NM_002230.4 (MANE Select); coding-DNA position 603, A replaced by G.
Protein change: p.Thr201=; no amino-acid change (threonine 201 retained).
Molecular consequence: synonymous variant.
Genome position (GRCh38, 1-based): chr17:41,769,073, T>C on the plus strand (A>G on the coding strand, the complement: JUP is on the minus strand). VCF-style: chr17-41769073-T-C. GRCh37 (hg19) VCF-style: chr17-39925325-T-C.
Other names: p.Thr201=; c.603A>G, p.Thr201= (NM_001352773.2, NM_001352774.2, NM_001352775.2 and 3 more transcripts).
Identifiers: ClinVar variation 3531642 (VCV003531642.2).